The following is an entry in ClinVar:

ClinVar aggregate classification (germline): Uncertain significance (1 of 4 stars; one submission).

Submissions (2):

GeneDx
Classification: Uncertain significance. Last evaluated: 2025-11-04. Review status: criteria provided, single submitter. Criteria: GeneDx Variant Classification Process June 2021. Collection method: clinical testing. Allele origin: germline.
Comment: Not observed at significant frequency in large population cohorts (gnomAD); In silico analysis supports a deleterious effect on splicing; Has not been previously published as pathogenic or benign to our knowledge

Dr. Peter K. Rogan Lab, Western University
No classification provided (evidence only). Condition: Uterine corpus endometrial carcinoma. Review status: no classification provided. Collection method: in vitro. Allele origin: not applicable. Functional consequence: retained intron. Not counted in ClinVar's aggregate classification.

NM_031206.7(LAS1L):c.846G>A (p.Thr282=)

Gene: LAS1L (LAS1 like ribosome biogenesis factor; minus strand). Cytogenetic location: Xq12.
Variant type: single nucleotide variant.
Coding change: c.846G>A on transcript NM_031206.7 (MANE Select); coding-DNA position 846, G replaced by A.
Protein change: p.Thr282=; no amino-acid change (threonine 282 retained).
Molecular consequence: synonymous variant. On other transcripts: missense variant (1), non-coding transcript variant (1).
Genome position (GRCh38, 1-based): chrX:65,529,212, C>T on the plus strand (G>A on the coding strand, the complement: LAS1L is on the minus strand). VCF-style: chrX-65529212-C-T. GRCh37 (hg19) VCF-style: chrX-64749092-C-T.
Other names: NC_000023.10:g.64749092C>T; c.846G>A, p.Thr282= (NM_001170649.2, NM_001375328.1, NM_001375329.1 and 8 more transcripts); c.720G>A, p.Thr240= (NM_001170650.2); c.50G>A, p.Arg17Gln (NM_001375332.1); short protein forms R17Q.
Identifiers: ClinVar variation 1712701 (VCV001712701.4), dbSNP rs2522646269, ClinGen allele CA516833299.